The following is an entry in ClinVar:

ClinVar aggregate classification (germline): Uncertain significance. Review status: criteria provided, multiple submitters, no conflicts (2 of 4 stars). 4 submissions from 4 submitters: Uncertain significance (4). Last evaluated 2025-09-03.

Conditions:
Hereditary cancer-predisposing syndrome. Also called: Hereditary Cancer Syndrome; Neoplastic Syndromes, Hereditary; Tumor predisposition; Hereditary neoplastic syndrome. Identifiers: Orphanet 140162, MedGen C0027672, MeSH D009386, MONDO:0015356.
Breast and/or ovarian cancer. Identifiers: MedGen CN221562.
Hereditary nonpolyposis colorectal neoplasms. Identifiers: MedGen C0009405, MeSH D003123.

Allele frequency attached by ClinVar (database versions not stated): gnomAD exomes 0.00001.
gnomAD v4.1: 11 of 1,597,854 alleles (0.00069%); highest among the groups gnomAD compares: Non-Finnish European, 0.00094%; no homozygotes.

Submissions (4):

Labcorp Genetics (formerly Invitae), Labcorp
Classification: Uncertain significance for Hereditary nonpolyposis colorectal neoplasms. Last evaluated: 2025-09-03. Review status: criteria provided, single submitter. Criteria: Invitae Variant Classification Sherloc (09022015). Collection method: clinical testing. Allele origin: germline.
Comment: This sequence change replaces cysteine, which is neutral and slightly polar, with arginine, which is basic and polar, at codon 259 of the PMS2 protein (p.Cys259Arg). This variant is not present in population databases (gnomAD no frequency). This variant has not been reported in the literature in individuals affected with PMS2-related conditions. ClinVar contains an entry for this variant (Variation ID: 480314). Invitae Evidence Modeling incorporating data from in vitro experimental studies (internal data) indicates that this missense variant is not expected to disrupt PMS2 function with a negative predictive value of 95%. In summary, the available evidence is currently insufficient to determine the role of this variant in disease. Therefore, it has been classified as a Variant of Uncertain Significance.

Ambry Genetics
Classification: Uncertain significance for Hereditary cancer-predisposing syndrome. Last evaluated: 2025-01-17. Review status: criteria provided, single submitter. Criteria: Ambry Variant Classification Scheme 2023. Collection method: clinical testing. Allele origin: germline.
Comment: The p.C259R variant (also known as c.775T>C), located in coding exon 7 of the PMS2 gene, results from a T to C substitution at nucleotide position 775. The cysteine at codon 259 is replaced by arginine, an amino acid with highly dissimilar properties. This amino acid position is poorly conserved in available vertebrate species. In addition, this alteration is predicted to be tolerated by in silico analysis. Based on the available evidence, the clinical significance of this variant remains unclear.

Color Diagnostics, LLC DBA Color Health
Classification: Uncertain significance for Hereditary cancer-predisposing syndrome. Last evaluated: 2023-12-05. Review status: criteria provided, single submitter. Criteria: ACMG Guidelines, 2015. Collection method: clinical testing. Allele origin: germline.
Comment: This missense variant replaces cysteine with arginine at codon 259 of the PMS2 protein. Computational prediction suggests that this variant may not impact protein structure and function (internally defined REVEL score threshold <= 0.5, PMID: 27666373). To our knowledge, functional studies have not been reported for this variant. This variant has not been reported in individuals affected with PMS2-related disorders in the literature. This variant has not been identified in the general population by the Genome Aggregation Database (gnomAD). The available evidence is insufficient to determine the role of this variant in disease conclusively. Therefore, this variant is classified as a Variant of Uncertain Significance.

CHEO Genetics Diagnostic Laboratory, Children's Hospital of Eastern Ontario
Classification: Uncertain significance for Breast and/or ovarian cancer. Last evaluated: 2019-11-01. Review status: criteria provided, single submitter. Criteria: ACMG Guidelines, 2015. Collection method: clinical testing. Allele origin: germline.

NM_000535.7(PMS2):c.775T>C (p.Cys259Arg)

Gene: PMS2 (PMS1 homolog 2, mismatch repair system component; minus strand). Cytogenetic location: 7p22.1.
Variant type: single nucleotide variant.
Coding change: c.775T>C on transcript NM_000535.7 (MANE Select); coding-DNA position 775, T replaced by C.
Protein change: p.Cys259Arg; replaces cysteine 259 with arginine.
Molecular consequence: missense variant. On other transcripts: 5 prime UTR variant (2), non-coding transcript variant (1).
Genome position (GRCh38, 1-based): chr7:5,997,354, A>G on the plus strand (T>C on the coding strand, the complement: PMS2 is on the minus strand). VCF-style: chr7-5997354-A-G. GRCh37 (hg19) VCF-style: chr7-6036985-A-G.
Other names: c.370T>C, p.Cys124Arg (NM_001322003.2, NM_001322004.2, NM_001322005.2 and 2 more transcripts); c.775T>C, p.Cys259Arg (NM_001322006.2, NM_001322014.2); c.457T>C, p.Cys153Arg (NM_001322007.2, NM_001322008.2); c.-159T>C (NM_001322011.2, NM_001322012.2); c.202T>C, p.Cys68Arg (NM_001322013.2); c.466T>C, p.Cys156Arg (NM_001322015.2); short protein forms C259R, C153R, C156R, C68R, C124R.
Identifiers: ClinVar variation 480314 (VCV000480314.18), dbSNP rs1554301455, ClinGen allele CA366743659.